The following is an entry in ClinVar:

ClinVar aggregate classification (germline): Uncertain significance (1 of 4 stars; one submission).

Allele frequency attached by ClinVar (database versions not stated): ExAC 0.00003.
gnomAD v4.1: 22 of 1,611,796 alleles (0.0014%); highest among the groups gnomAD compares: Admixed American, 0.0083%; no homozygotes.

Submission:

Labcorp Genetics (formerly Invitae), Labcorp
Classification: Uncertain significance. Last evaluated: 2021-10-07. Review status: criteria provided, single submitter. Criteria: Invitae Variant Classification Sherloc (09022015). Collection method: clinical testing. Allele origin: germline.
Comment: This sequence change replaces arginine with histidine at codon 479 of the GALNT3 protein (p.Arg479His). The arginine residue is highly conserved and there is a small physicochemical difference between arginine and histidine. This variant is present in population databases (rs767939917, ExAC 0.02%). This variant has not been reported in the literature in individuals affected with GALNT3-related conditions. Algorithms developed to predict the effect of missense changes on protein structure and function are either unavailable or do not agree on the potential impact of this missense change (SIFT: "Tolerated"; PolyPhen-2: "Possibly Damaging"; Align-GVGD: "Class C0"). In summary, the available evidence is currently insufficient to determine the role of this variant in disease. Therefore, it has been classified as a Variant of Uncertain Significance.

NM_004482.4(GALNT3):c.1436G>A (p.Arg479His)

Gene: GALNT3 (polypeptide N-acetylgalactosaminyltransferase 3; minus strand). Cytogenetic location: 2q24.3.
Variant type: single nucleotide variant.
Coding change: c.1436G>A on transcript NM_004482.4 (MANE Select); coding-DNA position 1436, G replaced by A.
Protein change: p.Arg479His; replaces arginine 479 with histidine.
Molecular consequence: missense variant.
Genome position (GRCh38, 1-based): chr2:165,755,020, C>T on the plus strand (G>A on the coding strand, the complement: GALNT3 is on the minus strand). VCF-style: chr2-165755020-C-T. GRCh37 (hg19) VCF-style: chr2-166611530-C-T.
Other names: short protein forms R479H.
Identifiers: ClinVar variation 1520797 (VCV001520797.3), dbSNP rs767939917, ClinGen allele CA1940945.